The following is an entry in ClinVar:

ClinVar aggregate classification (germline): Uncertain significance. Review status: criteria provided, multiple submitters, no conflicts (2 of 4 stars). 3 submissions from 3 submitters: Uncertain significance (2). 1 of the submissions does not count toward it. Last evaluated 2025-12-10.

Conditions:
Hereditary cancer-predisposing syndrome. Also called: Hereditary neoplastic syndrome; Neoplastic Syndromes, Hereditary; Hereditary Cancer Syndrome; Tumor predisposition. Identifiers: Orphanet 140162, MedGen C0027672, MeSH D009386, MONDO:0015356.
Bloom syndrome (BLM). Also called: Bloom-Torre-Machacek syndrome. Identifiers: Orphanet 125, MedGen C0005859, MONDO:0008876, OMIM 210900.

Allele frequency attached by ClinVar (database versions not stated): gnomAD exomes 0.00002; TOPMed 0.00002; gnomAD 0.00003.
gnomAD v4.1: 37 of 1,613,902 alleles (0.0023%); highest among the groups gnomAD compares: Non-Finnish European, 0.0031%; no homozygotes.

Submissions (3):

Ambry Genetics
Classification: Uncertain significance for Hereditary cancer-predisposing syndrome. Last evaluated: 2025-12-10. Review status: criteria provided, single submitter. Criteria: Ambry Variant Classification Scheme 2023. Collection method: clinical testing. Allele origin: germline.
Comment: The p.V463I variant (also known as c.1387G>A), located in coding exon 6 of the BLM gene, results from a G to A substitution at nucleotide position 1387. The valine at codon 463 is replaced by isoleucine, an amino acid with highly similar properties. This amino acid position is poorly conserved in available vertebrate species. In addition, this alteration is predicted to be tolerated by in silico analysis. Since supporting evidence is limited at this time, the clinical significance of this alteration remains unclear.

Labcorp Genetics (formerly Invitae), Labcorp
Classification: Uncertain significance for Bloom syndrome. Last evaluated: 2025-11-11. Review status: criteria provided, single submitter. Criteria: Invitae Variant Classification Sherloc (09022015). Collection method: clinical testing. Allele origin: germline.
Comment: This sequence change replaces valine, which is neutral and non-polar, with isoleucine, which is neutral and non-polar, at codon 463 of the BLM protein (p.Val463Ile). This variant is not present in population databases (gnomAD no frequency). This variant has not been reported in the literature in individuals affected with BLM-related conditions. ClinVar contains an entry for this variant (Variation ID: 657721). Invitae Evidence Modeling of protein sequence and biophysical properties (such as structural, functional, and spatial information, amino acid conservation, physicochemical variation, residue mobility, and thermodynamic stability) indicates that this missense variant is not expected to disrupt BLM protein function with a negative predictive value of 80%. In summary, the available evidence is currently insufficient to determine the role of this variant in disease. Therefore, it has been classified as a Variant of Uncertain Significance.

Natera, Inc.
Classification: Uncertain significance for Bloom syndrome. Last evaluated: 2021-01-14. Review status: no assertion criteria provided. Collection method: clinical testing. Allele origin: germline. Not counted in ClinVar's aggregate classification.

NM_000057.4(BLM):c.1387G>A (p.Val463Ile)

Gene: BLM (BLM RecQ like helicase; plus strand). Cytogenetic location: 15q26.1.
Variant type: single nucleotide variant.
Coding change: c.1387G>A on transcript NM_000057.4 (MANE Select); coding-DNA position 1387, G replaced by A.
Protein change: p.Val463Ile; replaces valine 463 with isoleucine.
Molecular consequence: missense variant.
Genome position (GRCh38, 1-based): chr15:90,760,760, G>A. VCF-style: chr15-90760760-G-A. GRCh37 (hg19) VCF-style: chr15-91303990-G-A.
Other names: c.1387G>A, p.Val463Ile (NM_001287246.2, NM_001287247.2); c.262G>A, p.Val88Ile (NM_001287248.2); short protein forms V463I, V88I.
Identifiers: ClinVar variation 657721 (VCV000657721.16), dbSNP rs1028963834, ClinGen allele CA274738168.